The following is an entry in ClinVar:

ClinVar aggregate classification (germline): Conflicting classifications of pathogenicity. Review status: criteria provided, conflicting classifications (1 of 4 stars). 13 submissions from 13 submitters: Uncertain significance (11); Likely benign (2). Last evaluated 2025-12-24.

Conditions:
Breast and/or ovarian cancer. Identifiers: MedGen CN221562.
BARD1-related cancer predisposition. Identifiers: MedGen CN377756, MONDO:0700267.
Hereditary cancer-predisposing syndrome. Also called: Tumor predisposition; Hereditary Cancer Syndrome; Hereditary neoplastic syndrome; Neoplastic Syndromes, Hereditary. Identifiers: Orphanet 140162, MedGen C0027672, MeSH D009386, MONDO:0015356.
Familial cancer of breast. Also called: BREAST CANCER, FAMILIAL; Hereditary breast cancer; hereditary breast carcinoma. Identifiers: Orphanet 227535, MedGen C0346153, MONDO:0016419, OMIM 114480. Disease mechanism: loss of function.

Allele frequency attached by ClinVar (database versions not stated): gnomAD 0.00001; TOPMed 0.00002; 1000 Genomes Project 30x 0.00016; 1000 Genomes Project 0.00020.

Submissions (13):

Labcorp Genetics (formerly Invitae), Labcorp
Classification: Uncertain significance for Familial cancer of breast. Last evaluated: 2025-12-24. Review status: criteria provided, single submitter. Criteria: Invitae Variant Classification Sherloc (09022015). Collection method: clinical testing. Allele origin: germline.
Comment: This sequence change replaces serine, which is neutral and polar, with asparagine, which is neutral and polar, at codon 339 of the BARD1 protein (p.Ser339Asn). This variant is present in population databases (rs201261729, gnomAD 0.002%). This missense change has been observed in individual(s) with breast cancer (PMID: 31371347). ClinVar contains an entry for this variant (Variation ID: 182043). An algorithm developed to predict the effect of missense changes on protein structure and function outputs the following: PolyPhen-2: "Benign". The asparagine amino acid residue is found in multiple mammalian species, which suggests that this missense change does not adversely affect protein function. Experimental studies have shown that this missense change does not substantially affect BARD1 function (PMID: 30925164). In summary, the available evidence is currently insufficient to determine the role of this variant in disease. Therefore, it has been classified as a Variant of Uncertain Significance.

GeneDx
Classification: Uncertain significance. Last evaluated: 2025-06-11. Review status: criteria provided, single submitter. Criteria: GeneDx Variant Classification Process June 2021. Collection method: clinical testing. Allele origin: germline. Affected: yes.
Comment: Published functional studies suggest no damaging effect: HDR activity was slightly less than, yet comparable to, wildtype (PMID: 30925164); Observed in individuals with breast cancer (PMID: 30925164, 31371347); Not observed at significant frequency in large population cohorts (gnomAD); In silico analysis suggests that this missense variant does not alter protein structure/function; This variant is associated with the following publications: (PMID: 31371347, 27363283, 33471991, 30925164)

Center for Genomic Medicine, Rigshospitalet, Copenhagen University Hospital
Classification: Uncertain significance. Last evaluated: 2025-03-04. Review status: criteria provided, single submitter. Criteria: ACMG Guidelines, 2015. Collection method: clinical testing. Allele origin: germline.

Color Diagnostics, LLC DBA Color Health
Classification: Likely benign for Hereditary cancer-predisposing syndrome. Last evaluated: 2024-11-05. Review status: criteria provided, single submitter. Criteria: ACMG Guidelines, 2015. Collection method: clinical testing. Allele origin: germline.

Fulgent Genetics
Classification: Uncertain significance for Familial cancer of breast. Last evaluated: 2024-03-07. Review status: criteria provided, single submitter. Criteria: ACMG Guidelines, 2015. Collection method: clinical testing. Allele origin: germline.

St. Jude Molecular Pathology, St. Jude Children's Research Hospital
Classification: Uncertain significance for Familial cancer of breast. Last evaluated: 2024-02-06. Review status: criteria provided, single submitter. Criteria: St. Jude Assertion Criteria 2020. Collection method: clinical testing. Allele origin: germline.
Comment: The BARD1 c.1016G>A (p.Ser339Asn) missense change has a maximum subpopulation frequency of 0.003% in gnomAD v2.1.1. The in silico tool REVEL predicts a benign effect on protein function and a homology-directed repair assay supports that this variant is functional (PMID: 30925164). This variant has been reported in an individual with breast cancer (PMID: 31371347). In summary, the evidence currently available is insufficient to determine the clinical significance of this variant. It has therefore been classified as of uncertain significance.

Department of Pathology and Laboratory Medicine, Sinai Health System
Classification: Uncertain significance for BARD1-related cancer predisposition. Last evaluated: 2023-05-05. Review status: criteria provided, single submitter. Criteria: ACMG Guidelines, 2015. Collection method: clinical testing. Allele origin: germline. Affected: no.

Women's Health and Genetics/Laboratory Corporation of America, LabCorp
Classification: Uncertain significance. Last evaluated: 2023-02-20. Review status: criteria provided, single submitter. Criteria: LabCorp Variant Classification Summary - May 2015. Collection method: clinical testing. Allele origin: germline.
Comment: Variant summary: BARD1 c.1016G>A (p.Ser339Asn) results in a conservative amino acid change in the encoded protein sequence. Five of five in-silico tools predict a benign effect of the variant on protein function. The variant allele was found at a frequency of 1.2e-05 in 251180 control chromosomes. The available data on variant occurrences in the general population are insufficient to allow any conclusion about variant significance. c.1016G>A has been reported in the literature in an individual affected with breast cancer without strong evidence for causality (Toh_2019). This report does not provide unequivocal conclusions about association of the variant with Hereditary Breast And Ovarian Cancer Syndrome. At least one publication reports experimental evidence evaluating an impact on protein function. These results showed similar HDR activity compared to wild-type (Adamovich_2019). Six clinical diagnostic laboratories have submitted clinical-significance assessments for this variant to ClinVar after 2014 without evidence for independent evaluation. Five submitters classified the variant as VUS while one classified as likely benign. Based on the evidence outlined above, the variant was classified as uncertain significance.

CHEO Genetics Diagnostic Laboratory, Children's Hospital of Eastern Ontario
Classification: Uncertain significance for Breast and/or ovarian cancer. Last evaluated: 2022-12-02. Review status: criteria provided, single submitter. Criteria: ACMG Guidelines, 2015. Collection method: clinical testing. Allele origin: germline.

Revvity Omics, Revvity
Classification: Uncertain significance. Last evaluated: 2022-07-05. Review status: criteria provided, single submitter. Criteria: ACMG Guidelines, 2015. Collection method: clinical testing. Allele origin: germline.

Sema4
Classification: Uncertain significance for Hereditary cancer-predisposing syndrome. Last evaluated: 2021-09-13. Review status: criteria provided, single submitter. Criteria: Sema4 Curation Guidelines. Collection method: curation. Allele origin: germline.
Comment: The BARD1 c.1016G>A (p.S339N) variant has been reported in at least one individual with breast cancer and in one individual with esophageal carcinoma (PMID: 30925164,31371347). It is reported in 3 cases and not in controls in a large dataset of 60,466 women with breast cancer and 53,461controls (PMID 33471991). This variant was observed in 3/113576 chromosomes in the NFE population according to the Genome Aggregation Database (PMID: 32461654). This variant has been reported in ClinVar (Variation ID 182043). In silico tools suggest the impact of the variant on protein function is benign. A homology-directed repair (HDR) functional study demonstrated similar to normal function of the protein (PMID: 30925164). The overall evidence is insufficient to meet ACMG/AMP criteria for classifying it as benign or pathogenic. In summary, the clinical significance of this variant is currently uncertain.

Ambry Genetics
Classification: Likely benign for Hereditary cancer-predisposing syndrome. Last evaluated: 2020-10-19. Review status: criteria provided, single submitter. Criteria: Ambry Variant Classification Scheme 2023. Collection method: clinical testing. Allele origin: germline.

Breakthrough Genomics
Classification: Uncertain significance. Review status: criteria provided, single submitter. Criteria: ACMG Guidelines, 2015. Collection method: not provided. Allele origin: germline. Inheritance: Autosomal dominant inheritance. Affected: yes.

Literature cited by the submitters: PubMed 31371347 (cited by 4 submitters); PubMed 30925164 (cited by 6 submitters); PubMed 33471991 (cited by Department of Pathology and Laboratory Medicine, Sinai Health System and Sema4).

NM_000465.4(BARD1):c.1016G>A (p.Ser339Asn)

Gene: BARD1 (BRCA1 associated RING domain 1; minus strand). Cytogenetic location: 2q35.
Variant type: single nucleotide variant.
Coding change: c.1016G>A on transcript NM_000465.4 (MANE Select); coding-DNA position 1016, G replaced by A.
Protein change: p.Ser339Asn; replaces serine 339 with asparagine.
Molecular consequence: missense variant. On other transcripts: non-coding transcript variant (2), intron variant (3).
Genome position (GRCh38, 1-based): chr2:214,780,858, C>T on the plus strand (G>A on the coding strand, the complement: BARD1 is on the minus strand). VCF-style: chr2-214780858-C-T. GRCh37 (hg19) VCF-style: chr2-215645582-C-T.
Other names: p.S339N:AGC>AAC; c.959G>A, p.Ser320Asn (NM_001282543.2); c.159-28303G>A (NM_001282548.2); c.215+16203G>A (NM_001282545.2); c.364+11439G>A (NM_001282549.2); short protein forms S339N, S320N.
Identifiers: ClinVar variation 182043 (VCV000182043.39), dbSNP rs201261729, ClinGen allele CA298458.